The following is an entry in ClinVar:

ClinVar aggregate classification (germline): Likely benign (1 of 4 stars; one submission).

Allele frequency attached by ClinVar (database versions not stated): gnomAD exomes 0.00002; TOPMed 0.00002; gnomAD 0.00003.
gnomAD v4.1: 39 of 1,612,798 alleles (0.0024%); highest among the groups gnomAD compares: Admixed American, 0.0033%; no homozygotes.

Submission:

CeGaT Center for Human Genetics Tuebingen
Classification: Likely benign. Last evaluated: 2023-05-01. Review status: criteria provided, single submitter. Criteria: CeGaT Center For Human Genetics Tuebingen Variant Classification Criteria Version 2. Collection method: clinical testing. Allele origin: germline. Affected: yes. Observed: 1 variant allele.
Comment: ASXL3: BP4, BP7

NM_030632.3(ASXL3):c.1113G>A (p.Lys371=)

Gene: ASXL3 (ASXL transcriptional regulator 3; plus strand). Cytogenetic location: 18q12.1.
Variant type: single nucleotide variant.
Coding change: c.1113G>A on transcript NM_030632.3 (MANE Select); coding-DNA position 1113, G replaced by A.
Protein change: p.Lys371=; no amino-acid change (lysine 371 retained).
Molecular consequence: synonymous variant.
Genome position (GRCh38, 1-based): chr18:33,738,517, G>A. VCF-style: chr18-33738517-G-A. GRCh37 (hg19) VCF-style: chr18-31318481-G-A.
Identifiers: ClinVar variation 2648640 (VCV002648640.24), dbSNP rs202108426, ClinGen allele CA297786452.
Genomic context (GRCh38, chr18:33,738,517, plus strand): 5'-AGCAATAATTTATTTCTAATTTCTGTACAGGCTGGGCATGTCAAGAGAGGAATCTGTGAA[G>A]CTCACTACTGGACCAAACAACGCTGGAGCTCAAAGTAGTTCTTCATGTGGGACTTCTGGC-3'
Protein context (NP_085135.1, residues 361-381): KLGMSREESV[Lys371=]LTTGPNNAGA